The following is an entry in ClinVar:

ClinVar aggregate classification (germline): Conflicting classifications of pathogenicity. Review status: criteria provided, conflicting classifications (1 of 4 stars). 8 submissions from 8 submitters: Uncertain significance (6); Likely benign (2). Last evaluated 2025-07-19.

Conditions:
Hereditary cancer-predisposing syndrome. Also called: Hereditary neoplastic syndrome; Neoplastic Syndromes, Hereditary; Tumor predisposition; Hereditary Cancer Syndrome. Identifiers: Orphanet 140162, MedGen C0027672, MeSH D009386, MONDO:0015356.
Cardiovascular phenotype. Identifiers: MedGen CN230736.
Juvenile myelomonocytic leukemia (JMML). Also called: LEUKEMIA, JUVENILE MYELOMONOCYTIC, SOMATIC. Identifiers: Orphanet 86834, MedGen C0349639, MONDO:0011908, OMIM 607785, HP:0012209.
Neurofibromatosis, type 1 (NF1). Also called: Peripheral type neurofibromatosis; NEUROFIBROMATOSIS, TYPE I, SOMATIC; Neurofibromatosis, type I; VON RECKLINGHAUSEN DISEASE. Identifiers: Orphanet 636, MedGen C0027831, MONDO:0018975, OMIM 162200. Disease mechanism: loss of function.
Neurofibromatosis, familial spinal (FSNF). Identifiers: Orphanet 636, MedGen C1834235, MONDO:0008078, OMIM 162210. Disease mechanism: loss of function.
Neurofibromatosis-Noonan syndrome (NFNS). Also called: NEUROFIBROMATOSIS WITH NOONAN PHENOTYPE. Identifiers: Orphanet 638, MedGen C2931482, MONDO:0011035, OMIM 601321. Disease mechanism: loss of function.
Café-au-lait macules with pulmonary stenosis (WTSN). Also called: PULMONIC STENOSIS WITH CAFE-AU-LAIT SPOTS. Identifiers: MedGen C0553586, MONDO:0008672, OMIM 193520.

Allele frequency attached by ClinVar (database versions not stated): gnomAD 0.00001; gnomAD exomes 0.00001 and 0.00003; TOPMed 0.00001; ExAC 0.00003; 1000 Genomes Project 0.00020; 1000 Genomes Project 30x 0.00031.
gnomAD v4.1: 17 of 1,613,940 alleles (0.0011%); highest among the groups gnomAD compares: South Asian, 0.0033%; no homozygotes.

Submissions (8):

Labcorp Genetics (formerly Invitae), Labcorp
Classification: Likely benign for Neurofibromatosis, type 1. Last evaluated: 2025-07-19. Review status: criteria provided, single submitter. Criteria: Invitae Variant Classification Sherloc (09022015). Collection method: clinical testing. Allele origin: germline.

Fulgent Genetics
Classification: Uncertain significance for Neurofibromatosis, type 1; Neurofibromatosis, familial spinal; Café-au-lait macules with pulmonary stenosis; Neurofibromatosis-Noonan syndrome; Juvenile myelomonocytic leukemia. Last evaluated: 2024-04-18. Review status: criteria provided, single submitter. Criteria: ACMG Guidelines, 2015. Collection method: clinical testing. Allele origin: germline.

GeneDx
Classification: Uncertain significance. Last evaluated: 2023-03-13. Review status: criteria provided, single submitter. Criteria: GeneDx Variant Classification Process June 2021. Collection method: clinical testing. Allele origin: germline. Affected: yes.
Comment: In silico analysis supports that this missense variant has a deleterious effect on protein structure/function; Has not been previously published as pathogenic or benign to our knowledge; This variant is associated with the following publications: (PMID: 25486365, 26757882)

St. Jude Molecular Pathology, St. Jude Children's Research Hospital
Classification: Uncertain significance for Neurofibromatosis, type 1. Last evaluated: 2022-05-02. Review status: criteria provided, single submitter. Criteria: St. Jude Assertion Criteria 2020. Collection method: clinical testing. Allele origin: germline.
Comment: The NF1 c.7286G>A (p.Arg2429Gln) missense change has a maximum subpopulation frequency of 0.0098% in gnomAD v2.1.1. In silico tools are inconclusive about the effect of this variant on protein function, and to our knowledge functional assays have not been performed. This variant occurs in a gene where missense variants are more likely to be damaging based on methods described by Lek et al. (PP2; PMID: 27535533). To our knowledge, this variant has not been reported in individuals with Neurofibromatosis type 1. In summary, this variant meets criteria to be classified as of uncertain significance based on the ACMG/AMP criteria: PP2.

Genome-Nilou Lab
Classification: Uncertain significance for Neurofibromatosis, type 1. Last evaluated: 2022-03-15. Review status: criteria provided, single submitter. Criteria: ACMG Guidelines, 2015. Collection method: clinical testing. Allele origin: germline. Affected: no.

Ambry Genetics
Classification: Likely benign for Cardiovascular phenotype; Hereditary cancer-predisposing syndrome. Last evaluated: 2021-06-18. Review status: criteria provided, single submitter. Criteria: Ambry Variant Classification Scheme 2023. Collection method: clinical testing. Allele origin: germline.

Quest Diagnostics Nichols Institute San Juan Capistrano
Classification: Uncertain significance. Last evaluated: 2021-06-11. Review status: criteria provided, single submitter. Criteria: Quest Diagnostics criteria. Collection method: clinical testing. Allele origin: unknown.

Blueprint Genetics
Classification: Uncertain significance. Last evaluated: 2017-08-15. Review status: criteria provided, single submitter. Criteria: ACMG Guidelines, 2015. Collection method: clinical testing. Allele origin: germline.

Literature cited by the submitters: PubMed 26757882 (cited by Quest Diagnostics Nichols Institute San Juan Capistrano).

NM_001042492.3(NF1):c.7349G>A (p.Arg2450Gln)

Gene: NF1 (neurofibromin 1; plus strand). Cytogenetic location: 17q11.2.
Variant type: single nucleotide variant.
Coding change: c.7349G>A on transcript NM_001042492.3 (MANE Select); coding-DNA position 7349, G replaced by A.
Protein change: p.Arg2450Gln; replaces arginine 2450 with glutamine.
Molecular consequence: missense variant.
Genome position (GRCh38, 1-based): chr17:31,350,210, G>A. VCF-style: chr17-31350210-G-A. GRCh37 (hg19) VCF-style: chr17-29677228-G-A.
Other names: c.7286G>A, p.Arg2429Gln (NM_000267.4); short protein forms R2429Q, R2450Q.
Identifiers: ClinVar variation 481925 (VCV000481925.22), dbSNP rs533110479, ClinGen allele CA8487563.
Genomic context (GRCh38, chr17:31,350,210, plus strand): 5'-AAATTTTTTAACCTGCCACCGTTTTCCTTTTAGCTTTACTTACAGTGTCTGAAGAAGTTC[G>A]AAGTCGCTGCAGCCTAAAACATAGAAAGTCACTTCTTCTTACTGATATTTCAATGGAAAA-3'
Protein context (NP_001035957.1, residues 2440-2460): AALLTVSEEV[Arg2450Gln]SRCSLKHRKS